The following is an entry in ClinVar:

ClinVar aggregate classification (germline): Benign (0 of 4 stars; one submission).

Conditions:
ECE1-related disorder. Also called: ECE1-related condition.

Allele frequency attached by ClinVar (database versions not stated): gnomAD exomes 0.00013; 1000 Genomes Project 0.00020; gnomAD 0.00099; 1000 Genomes Project 30x 0.00109; TOPMed 0.00123.
gnomAD v4.1: 295 of 1,237,744 alleles (0.024%); highest among the groups gnomAD compares: African/African-American, 0.43%; no homozygotes.

Submission:

PreventionGenetics, part of Exact Sciences
Classification: Benign for ECE1-related condition. Last evaluated: 2020-09-18. Review status: no assertion criteria provided. Collection method: clinical testing. Allele origin: germline.
Comment: This variant is classified as benign based on ACMG/AMP sequence variant interpretation guidelines (Richards et al. 2015 PMID: 25741868, with internal and published modifications).

NM_001397.3(ECE1):c.24G>A (p.Pro8=)

Genes: ECE1 (endothelin converting enzyme 1; minus strand), LOC129929606 (ATAC-STARR-seq lymphoblastoid silent region 378; plus strand). Cytogenetic location: 1p36.12.
Variant type: single nucleotide variant.
Coding change: c.24G>A on transcript NM_001397.3 (MANE Select); coding-DNA position 24, G replaced by A.
Protein change: p.Pro8=; no amino-acid change (proline 8 retained).
Molecular consequence: synonymous variant. On other transcripts: intron variant (1).
Genome position (GRCh38, 1-based): chr1:21,290,391, C>T on the plus strand (G>A on the coding strand, the complement: ECE1 is on the minus strand). VCF-style: chr1-21290391-C-T. GRCh37 (hg19) VCF-style: chr1-21616884-C-T.
Other names: c.4-235G>A (NM_001113348.2).
Identifiers: ClinVar variation 3032411 (VCV003032411.2), dbSNP rs193017331, ClinGen allele CA19042276.